The following is an entry in ClinVar:

ClinVar aggregate classification (germline): Uncertain significance (1 of 4 stars; one submission).

Conditions:
Hereditary breast ovarian cancer syndrome. Also called: Hereditary breast and ovarian cancer; Hereditary breast and ovarian cancer syndrome; Hereditary breast and ovarian cancer syndrome (HBOC); Breast and ovarian cancer; BRCA1- and BRCA2-Associated Hereditary Breast and Ovarian Cancer; Hereditary breast and/or ovarian cancer syndrome. Identifiers: Orphanet 145, MedGen C0677776, MeSH D061325, MONDO:0003582. Disease mechanism: loss of function.

Submissions (2):

Labcorp Genetics (formerly Invitae), Labcorp
Classification: Uncertain significance for Hereditary breast ovarian cancer syndrome. Last evaluated: 2019-11-23. Review status: criteria provided, single submitter. Criteria: Invitae Variant Classification Sherloc (09022015). Collection method: clinical testing. Allele origin: germline.
Comment: In summary, the available evidence is currently insufficient to determine the role of this variant in disease. Therefore, it has been classified as a Variant of Uncertain Significance. This variant has been reported not to substantially affect BRCA1 protein function (PMID: 30209399). This variant has not been reported in the literature in individuals with BRCA1-related conditions. ClinVar contains an entry for this variant (Variation ID: 571901). This variant is not present in population databases (ExAC no frequency). This sequence change replaces arginine with lysine at codon 1744 of the BRCA1 protein (p.Arg1744Lys). The arginine residue is highly conserved and there is a small physicochemical difference between arginine and lysine.

Brotman Baty Institute, University of Washington
No classification provided (evidence only). Condition: Breast-ovarian cancer, familial 1. Review status: no classification provided. Collection method: in vitro. Allele origin: not applicable. Functional consequence: functionally_normal. Not counted in ClinVar's aggregate classification.
ClinVar note: "not provided" was previously submitted as the classification for the variant. However, the classification appeared to be based only on an observation of functional data so it was converted to no classification on 2025-07-30.

Literature cited by the submitters: PubMed 30209399 (cited by Labcorp Genetics (formerly Invitae), Labcorp).

NM_007294.4(BRCA1):c.5231G>A (p.Arg1744Lys)

Gene: BRCA1 (BRCA1 DNA repair associated; minus strand). Cytogenetic location: 17q21.31.
Variant type: single nucleotide variant.
Coding change: c.5231G>A on transcript NM_007294.4 (MANE Select); coding-DNA position 5231, G replaced by A.
Protein change: p.Arg1744Lys; replaces arginine 1744 with lysine.
Molecular consequence: missense variant. On other transcripts: non-coding transcript variant (1).
Genome position (GRCh38, 1-based): chr17:43,057,098, C>T on the plus strand (G>A on the coding strand, the complement: BRCA1 is on the minus strand). VCF-style: chr17-43057098-C-T. GRCh37 (hg19) VCF-style: chr17-41209115-C-T.
Other names: c.5018G>A, p.Arg1673Lys (NM_001407571.1, NM_001407906.1, NM_001407907.1 and 12 more transcripts); c.5297G>A, p.Arg1766Lys (NM_001407581.1, NM_001407582.1); c.5294G>A, p.Arg1765Lys (NM_001407583.1, NM_001407585.1, NM_001407587.1 and 1 more transcripts); c.5291G>A, p.Arg1764Lys (NM_001407590.1, NM_001407591.1); c.5231G>A, p.Arg1744Lys (NM_001407593.1, NM_001407684.1, NM_001407854.1 and 7 more transcripts); c.5228G>A, p.Arg1743Lys (NM_001407613.1, NM_001407614.1, NM_001407615.1 and 17 more transcripts); c.5225G>A, p.Arg1742Lys (NM_001407632.1, NM_001407633.1, NM_001407634.1 and 14 more transcripts); c.5153G>A, p.Arg1718Lys (NM_001407654.1, NM_001407655.1, NM_001407652.1 and 1 more transcripts); and 72 more; short protein forms R1744K, R1697K, R1765K, R640K, R1615K, R1655K, R1656K, R1672K.
Identifiers: ClinVar variation 571901 (VCV000571901.14), dbSNP rs1567764460, ClinGen allele CA10591082.
Genomic context (GRCh38, chr17:43,057,098, plus strand): 5'-GGAGGGAGCTTTACCTTTCTGTCCTGGGATTCTCTTGCTCGCTTTGGACCTTGGTGGTTT[C>T]TTCCATTGACCACATCTCCTCTGACTTCAAAATCATGCTGAAAGAAACCAAACACAACCC-3'
Protein context (NP_009225.1, residues 1734-1754): FEVRGDVVNG[Arg1744Lys]NHQGPKRARE